The following is an entry in ClinVar:

NM_000217.3(KCNA1):c.1393A>G (p.Ile465Val)

Gene: KCNA1 (potassium voltage-gated channel subfamily A member 1; plus strand). Cytogenetic location: 12p13.32.
Variant type: single nucleotide variant.
Coding change: c.1393A>G on transcript NM_000217.3 (MANE Select); coding-DNA position 1393, A replaced by G.
Protein change: p.Ile465Val; replaces isoleucine 465 with valine.
Molecular consequence: missense variant.
Genome position (GRCh38, 1-based): chr12:4,912,771, A>G. VCF-style: chr12-4912771-A-G. GRCh37 (hg19) VCF-style: chr12-5021937-A-G.
Other names: short protein forms I465V.
Identifiers: ClinVar variation 2045402 (VCV002045402.4), dbSNP rs2497354394, ClinGen allele CA383456689.
Genomic context (GRCh38, chr12:4,912,771, plus strand): 5'-AGTTCCTCTACTATGAGCAAGTCTGAGTACATGGAGATCGAAGAGGATATGAATAATAGC[A>G]TAGCCCATTATAGACAGGTCAATATCAGAACTGCCAATTGCACCACTGCTAACCAAAACT-3'
Protein context (NP_000208.2, residues 455-475): MEIEEDMNNS[Ile465Val]AHYRQVNIRT

ClinVar aggregate classification (germline): Uncertain significance (1 of 4 stars; one submission).

Conditions:
Episodic ataxia type 1 (EA1). Also called: MYOKYMIA WITH PERIODIC ATAXIA; PAROXYSMAL ATAXIA WITH NEUROMYOTONIA, HEREDITARY; Episodic ataxia/myokymia syndrome; ATAXIA, EPISODIC, WITH MYOKYMIA. Identifiers: Orphanet 37612, Orphanet 972, MedGen C1719788, MONDO:0008047, OMIM 160120.

Allele frequency attached by ClinVar (database versions not stated): gnomAD exomes below 0.00001.

Submission:

Labcorp Genetics (formerly Invitae), Labcorp
Classification: Uncertain significance for Episodic ataxia type 1. Last evaluated: 2024-06-08. Review status: criteria provided, single submitter. Criteria: Invitae Variant Classification Sherloc (09022015). Collection method: clinical testing. Allele origin: germline.
Comment: This sequence change replaces isoleucine, which is neutral and non-polar, with valine, which is neutral and non-polar, at codon 465 of the KCNA1 protein (p.Ile465Val). This variant is not present in population databases (gnomAD no frequency). This variant has not been reported in the literature in individuals affected with KCNA1-related conditions. ClinVar contains an entry for this variant (Variation ID: 2045402). Advanced modeling of protein sequence and biophysical properties (such as structural, functional, and spatial information, amino acid conservation, physicochemical variation, residue mobility, and thermodynamic stability) performed at Invitae indicates that this missense variant is not expected to disrupt KCNA1 protein function with a negative predictive value of 95%. In summary, the available evidence is currently insufficient to determine the role of this variant in disease. Therefore, it has been classified as a Variant of Uncertain Significance.